The following is an entry in ClinVar:

NM_182961.4(SYNE1):c.11343C>T (p.Gly3781=)

Gene: SYNE1 (spectrin repeat containing nuclear envelope protein 1; minus strand). Cytogenetic location: 6q25.2.
Variant type: single nucleotide variant.
Coding change: c.11343C>T on transcript NM_182961.4 (MANE Select); coding-DNA position 11343, C replaced by T.
Protein change: p.Gly3781=; no amino-acid change (glycine 3781 retained).
Molecular consequence: synonymous variant.
Genome position (GRCh38, 1-based): chr6:152,352,264, G>A on the plus strand (C>T on the coding strand, the complement: SYNE1 is on the minus strand). VCF-style: chr6-152352264-G-A. GRCh37 (hg19) VCF-style: chr6-152673399-G-A.
Other names: c.11298C>T, p.Gly3766= (NM_033071.5).
Identifiers: ClinVar variation 451325 (VCV000451325.18), dbSNP rs150121030, ClinGen allele CA4056709.

ClinVar aggregate classification (germline): Conflicting classifications of pathogenicity. Review status: criteria provided, conflicting classifications (1 of 4 stars). 5 submissions from 5 submitters: Uncertain significance (2); Likely benign (3). Last evaluated 2025-12-30.

Conditions:
SYNE1-related disorder. Also called: SYNE1-related disorders; SYNE1-related disease; SYNE1-related condition.
Emery-Dreifuss muscular dystrophy 4, autosomal dominant (EDMD4). Also called: EMERY-DREIFUSS MUSCULAR DYSTROPHY 4 WITH VARIABLE FEATURES. Identifiers: Orphanet 261, MedGen C2751807, MONDO:0013071, OMIM 612998.
Autosomal recessive ataxia, Beauce type. Also called: Spinocerebellar ataxia, autosomal recessive 8; ATAXIA, RECESSIVE, OF BEAUCE; SYNE1-Related Autosomal Recessive Cerebellar Ataxia; SYNE1 Deficiency. Identifiers: Orphanet 88644, MedGen C1853116, MONDO:0012549, OMIM 610743.

Allele frequency attached by ClinVar (database versions not stated): gnomAD exomes 0.00008 and 0.00025; TOPMed 0.00029; gnomAD 0.00030; ExAC 0.00034; ESP Exome Variant Server 0.00038; 1000 Genomes Project 0.00060; 1000 Genomes Project 30x 0.00062.
gnomAD v4.1: 156 of 1,614,002 alleles (0.0097%); highest among the groups gnomAD compares: African/African-American, 0.14%; 2 homozygotes.

Submissions (5):

Labcorp Genetics (formerly Invitae), Labcorp
Classification: Likely benign for Emery-Dreifuss muscular dystrophy 4, autosomal dominant; Autosomal recessive ataxia, Beauce type. Last evaluated: 2025-12-30. Review status: criteria provided, single submitter. Criteria: Invitae Variant Classification Sherloc (09022015). Collection method: clinical testing. Allele origin: germline.

GeneDx
Classification: Uncertain significance. Last evaluated: 2025-03-11. Review status: criteria provided, single submitter. Criteria: GeneDx Variant Classification Process June 2021. Collection method: clinical testing. Allele origin: germline. Affected: yes.
Comment: Has not been previously published as pathogenic or benign to our knowledge; In silico analysis suggests this variant may impact gene splicing. In the absence of RNA/functional studies, the actual effect of this sequence change is unknown.

PreventionGenetics, part of Exact Sciences
Classification: Likely benign for SYNE1-related condition. Last evaluated: 2025-01-16. Review status: criteria provided, single submitter. Criteria: ACMG Guidelines, 2015. Collection method: clinical testing. Allele origin: germline.
Comment: This variant is classified as likely benign based on ACMG/AMP sequence variant interpretation guidelines (Richards et al. 2015 PMID: 25741868, with internal and published modifications).

Athena Diagnostics
Classification: Likely benign. Last evaluated: 2019-10-31. Review status: criteria provided, single submitter. Criteria: Athena Diagnostics Criteria. Collection method: clinical testing. Allele origin: unknown.

Eurofins Ntd Llc (ga)
Classification: Uncertain significance. Last evaluated: 2018-02-16. Review status: criteria provided, single submitter. Criteria: EGL ClinVar v180209 classification definitions. Collection method: clinical testing. Allele origin: germline. Observed: 2 variant alleles, 2 heterozygotes.